The following is an entry in ClinVar:

ClinVar aggregate classification (germline): Benign/Likely benign. Review status: criteria provided, multiple submitters, no conflicts (2 of 4 stars). 6 submissions from 6 submitters: Benign (3); Likely benign (2). 1 of the submissions does not count toward it. Last evaluated 2026-02-01.

Allele frequency attached by ClinVar (database versions not stated): 1000 Genomes Project 0.00599; 1000 Genomes Project 30x 0.00609; TOPMed 0.00924; gnomAD 0.00939 and 0.00950; ESP Exome Variant Server 0.01029; gnomAD exomes 0.01036; ExAC 0.01071.
gnomAD v4.1: 19,522 of 1,614,012 alleles (1.2%); highest among the groups gnomAD compares: Non-Finnish European, 1.4%; 144 homozygotes.

Submissions (19):

CeGaT Center for Human Genetics Tuebingen
Classification: Benign. Last evaluated: 2026-02-01. Review status: criteria provided, single submitter. Criteria: CeGaT Center For Human Genetics Tuebingen Variant Classification Criteria Version 2. Collection method: clinical testing. Allele origin: germline. Affected: yes. Observed: 9 variant alleles.
Comment: FAT1: BP4, BS1, BS2

Labcorp Genetics (formerly Invitae), Labcorp
Classification: Benign. Last evaluated: 2026-01-27. Review status: criteria provided, single submitter. Criteria: Invitae Variant Classification Sherloc (09022015). Collection method: clinical testing. Allele origin: germline.

Mayo Clinic Laboratories, Mayo Clinic
Classification: Benign. Last evaluated: 2023-10-05. Review status: criteria provided, single submitter. Criteria: ACMG Guidelines, 2015. Collection method: clinical testing. Allele origin: germline. Observed: 3 variant alleles.
Comment: BS1, BS2

GeneDx
Classification: Likely benign. Last evaluated: 2020-09-28. Review status: criteria provided, single submitter. Criteria: GeneDx Variant Classification Process June 2021. Collection method: clinical testing. Allele origin: germline. Affected: yes.

Breakthrough Genomics
Classification: Likely benign. Review status: criteria provided, single submitter. Criteria: ACMG Guidelines, 2015. Collection method: not provided. Allele origin: germline. Inheritance: Unknown mechanism. Affected: yes.

Department of Pathology and Laboratory Medicine, Sinai Health System
Classification: Likely benign. Review status: no assertion criteria provided. Collection method: clinical testing. Allele origin: unknown. Affected: yes. Study: The Canadian Open Genetics Repository (COGR). Not counted in ClinVar's aggregate classification.
Comment: The FAT1 p.Asp4218Gly variant was not identified in the literature nor was it identified in ClinVar or Cosmic. The variant was identified in dbSNP (ID: rs72716244) with clinical significance as NA and was classified as benign by the LOVD 3.0 database. The variant was identified in control databases in 2849 of 280656 chromosomes (21 homozygous) at a frequency of 0.010151 increasing the likelihood this could be a low frequency benign variant (Genome Aggregation Database Feb 27, 2017). The variant was observed in the following populations: Ashkenazi Jewish in 262 of 10352 chromosomes (freq: 0.02531), European (non-Finnish) in 1875 of 128442 chromosomes (freq: 0.0146), Other in 71 of 7138 chromosomes (freq: 0.009947), Latino in 242 of 35368 chromosomes (freq: 0.006842), European (Finnish) in 163 of 25024 chromosomes (freq: 0.006514), South Asian in 178 of 30602 chromosomes (freq: 0.005817), African in 58 of 24196 chromosomes (freq: 0.002397); it was not observed in the East Asian population. The variant occurs outside of the splicing consensus sequence and 3 of 4 in silico or computational prediction software programs (MaxEntScan, NNSPLICE, GeneSplicer) do not predict a change in splicing. The p.Asp4218 residue is conserved in mammals but not in more distantly related organisms and computational analyses (PolyPhen-2, SIFT, AlignGVGD, BLOSUM, MutationTaster) provide inconsistent predictions regarding the impact to the protein; this information is not very predictive of pathogenicity. In summary, based on the above information the clinical significance of this variant cannot be determined with certainty at this time although we would lean towards a more benign role for this variant. This variant is classified as likely benign.

Dr. Peter K. Rogan Lab, Western University
No classification provided (evidence only). Condition: Clear cell carcinoma of kidney. Review status: no classification provided. Collection method: in vitro. Allele origin: not applicable. Functional consequence: skipped exon. Not counted in ClinVar's aggregate classification.

Dr. Peter K. Rogan Lab, Western University
No classification provided (evidence only). Condition: Clear cell carcinoma of kidney. Review status: no classification provided. Collection method: in vitro. Allele origin: not applicable. Functional consequence: retained intron. Not counted in ClinVar's aggregate classification.

Dr. Peter K. Rogan Lab, Western University
No classification provided (evidence only). Condition: Thyroid cancer, nonmedullary, 1. Review status: no classification provided. Collection method: in vitro. Allele origin: not applicable. Functional consequence: skipped exon. Not counted in ClinVar's aggregate classification.

Dr. Peter K. Rogan Lab, Western University
No classification provided (evidence only). Condition: Sarcoma. Review status: no classification provided. Collection method: in vitro. Allele origin: not applicable. Functional consequence: skipped exon. Not counted in ClinVar's aggregate classification.

Dr. Peter K. Rogan Lab, Western University
No classification provided (evidence only). Condition: Sarcoma. Review status: no classification provided. Collection method: in vitro. Allele origin: not applicable. Functional consequence: retained intron. Not counted in ClinVar's aggregate classification.

Dr. Peter K. Rogan Lab, Western University
No classification provided (evidence only). Condition: Sarcoma. Review status: no classification provided. Collection method: in vitro. Allele origin: not applicable. Functional consequence: retained intron. Not counted in ClinVar's aggregate classification.

Dr. Peter K. Rogan Lab, Western University
No classification provided (evidence only). Condition: Sarcoma. Review status: no classification provided. Collection method: in vitro. Allele origin: not applicable. Functional consequence: retained intron. Not counted in ClinVar's aggregate classification.

Dr. Peter K. Rogan Lab, Western University
No classification provided (evidence only). Condition: Sarcoma. Review status: no classification provided. Collection method: in vitro. Allele origin: not applicable. Functional consequence: skipped exon. Not counted in ClinVar's aggregate classification.

Dr. Peter K. Rogan Lab, Western University
No classification provided (evidence only). Condition: Hepatocellular carcinoma. Review status: no classification provided. Collection method: in vitro. Allele origin: not applicable. Functional consequence: retained intron. Not counted in ClinVar's aggregate classification.

Dr. Peter K. Rogan Lab, Western University
No classification provided (evidence only). Condition: Hepatocellular carcinoma. Review status: no classification provided. Collection method: in vitro. Allele origin: not applicable. Functional consequence: retained intron. Not counted in ClinVar's aggregate classification.

Dr. Peter K. Rogan Lab, Western University
No classification provided (evidence only). Condition: Nonpapillary renal cell carcinoma. Review status: no classification provided. Collection method: in vitro. Allele origin: not applicable. Functional consequence: skipped exon, retained intron. Not counted in ClinVar's aggregate classification.

Dr. Peter K. Rogan Lab, Western University
No classification provided (evidence only). Condition: Uveal melanoma. Review status: no classification provided. Collection method: in vitro. Allele origin: not applicable. Functional consequence: retained intron. Not counted in ClinVar's aggregate classification.

Dr. Peter K. Rogan Lab, Western University
No classification provided (evidence only). Condition: Malignant tumor of esophagus. Review status: no classification provided. Collection method: in vitro. Allele origin: not applicable. Functional consequence: skipped exon, retained intron. Not counted in ClinVar's aggregate classification.

NM_005245.4(FAT1):c.12653A>G (p.Asp4218Gly)

Gene: FAT1 (FAT atypical cadherin 1; minus strand). Cytogenetic location: 4q35.2.
Variant type: single nucleotide variant.
Coding change: c.12653A>G on transcript NM_005245.4 (MANE Select); coding-DNA position 12653, A replaced by G.
Protein change: p.Asp4218Gly; replaces aspartic acid 4218 with glycine.
Molecular consequence: missense variant.
Genome position (GRCh38, 1-based): chr4:186,596,887, T>C on the plus strand (A>G on the coding strand, the complement: FAT1 is on the minus strand). VCF-style: chr4-186596887-T-C. GRCh37 (hg19) VCF-style: chr4-187518041-T-C.
Other names: p.Asp4218Gly; short protein forms D4218G.
Identifiers: ClinVar variation 1050539 (VCV001050539.39), dbSNP rs72716244, ClinGen allele CA3164765.
Genomic context (GRCh38, chr4:186,596,887, plus strand): 5'-TTTAGCTTGGAATCAAAATACGGTCTTTGCAAGAAAGCCGTAGCGGGTCCCAGGTGCTTG[T>C]CTTTAGGTTCAGCCTGATGCTTCTTTTTCCGACTAATCATCTTACGGCAGAGAACAAACA-3'
Protein context (NP_005236.2, residues 4208-4228): RKKKHQAEPK[Asp4218Gly]KHLGPATAFL